The following is an entry in ClinVar:

ClinVar aggregate classification (germline): Uncertain significance (1 of 4 stars; one submission).

Conditions:
Hereditary cancer-predisposing syndrome. Also called: Tumor predisposition; Hereditary neoplastic syndrome; Neoplastic Syndromes, Hereditary; Hereditary Cancer Syndrome. Identifiers: Orphanet 140162, MedGen C0027672, MeSH D009386, MONDO:0015356.

Submission:

Ambry Genetics
Classification: Uncertain significance for Hereditary cancer-predisposing syndrome. Last evaluated: 2025-06-12. Review status: criteria provided, single submitter. Criteria: Ambry Variant Classification Scheme 2023. Collection method: clinical testing. Allele origin: germline.
Comment: The p.I189V variant (also known as c.565A>G), located in coding exon 4 of the DICER1 gene, results from an A to G substitution at nucleotide position 565. The isoleucine at codon 189 is replaced by valine, an amino acid with highly similar properties. This amino acid position is conserved. In addition, this alteration is predicted to be tolerated by in silico analysis. Based on the available evidence, the clinical significance of this variant remains unclear.

NM_177438.3(DICER1):c.565A>G (p.Ile189Val)

Gene: DICER1 (dicer 1, ribonuclease III; minus strand). Cytogenetic location: 14q32.13.
Variant type: single nucleotide variant.
Coding change: c.565A>G on transcript NM_177438.3 (MANE Select); coding-DNA position 565, A replaced by G.
Protein change: p.Ile189Val; replaces isoleucine 189 with valine.
Molecular consequence: missense variant. On other transcripts: 5 prime UTR variant (2), non-coding transcript variant (6).
Genome position (GRCh38, 1-based): chr14:95,130,066, T>C on the plus strand (A>G on the coding strand, the complement: DICER1 is on the minus strand). VCF-style: chr14-95130066-T-C. GRCh37 (hg19) VCF-style: chr14-95596403-T-C.
Other names: c.565A>G, p.Ile189Val (NM_001195573.1, NM_001271282.3, NM_001291628.2 and 14 more transcripts); c.283A>G, p.Ile95Val (NM_001395686.1); c.160A>G, p.Ile54Val (NM_001395687.1, NM_001395688.1, NM_001395689.1 and 3 more transcripts); c.-3A>G (NM_001395691.1); c.-1004A>G (NM_001395697.1); short protein forms I54V, I189V, I95V.
Identifiers: ClinVar variation 4011695 (VCV004011695.1).
Genomic context (GRCh38, chr14:95,130,066, plus strand): 5'-CATTTACTCAATAGTTTACCAAGAATTACTAAGACTTAGGTCTAAAACTTACCTTCATAA[T>C]TTCTCGATAGGGGTGGTCTAGGATTGCAAGATGACACTCATCAAACACCAAAAGGTTAAT-3'
Protein context (NP_803187.1, residues 179-199): LAILDHPYRE[Ile189Val]MKLCENCPSC